The following is an entry in ClinVar:

NM_001111.5(ADAR):c.1999G>A (p.Val667Met)

Gene: ADAR (adenosine deaminase RNA specific; minus strand). Cytogenetic location: 1q21.3.
Variant type: single nucleotide variant.
Coding change: c.1999G>A on transcript NM_001111.5 (MANE Select); coding-DNA position 1999, G replaced by A.
Protein change: p.Val667Met; replaces valine 667 with methionine.
Molecular consequence: missense variant.
Genome position (GRCh38, 1-based): chr1:154,597,203, C>T on the plus strand (G>A on the coding strand, the complement: ADAR is on the minus strand). VCF-style: chr1-154597203-C-T. GRCh37 (hg19) VCF-style: chr1-154569679-C-T.
Other names: c.1114G>A, p.Val372Met (NM_001025107.3, NM_001193495.2, NM_001365046.1 and 3 more transcripts); c.2026G>A, p.Val676Met (NM_001365045.1); c.1999G>A, p.Val667Met (NM_015840.4, NM_015841.4); short protein forms V372M, V667M, V676M.
Identifiers: ClinVar variation 2950705 (VCV002950705.3), dbSNP rs760217859, ClinGen allele CA1131404.

ClinVar aggregate classification (germline): Uncertain significance (1 of 4 stars; one submission).

Conditions:
Symmetrical dyschromatosis of extremities (DSH). Also called: RETICULATE ACROPIGMENTATION OF DOHI; SYMMETRIC DYSCHROMATOSIS OF THE EXTREMITIES; DYSCHROMATOSIS SYMMETRICA HEREDITARIA 1; Dyschromatosis symmetrica hereditaria. Identifiers: Orphanet 41, MedGen C0406775, MONDO:0007483, OMIM 127400.
Aicardi-Goutieres syndrome 6 (AGS6). Identifiers: Orphanet 51, MedGen C3539013, MONDO:0014007, OMIM 615010.

Allele frequency attached by ClinVar (database versions not stated): ExAC 0.00001; gnomAD exomes below 0.00001.
gnomAD v4.1: 1 of 1,614,228 alleles (0.000062%); highest among the groups gnomAD compares: South Asian, 0.0011%; no homozygotes.

Submission:

Labcorp Genetics (formerly Invitae), Labcorp
Classification: Uncertain significance for Aicardi-Goutieres syndrome 6; Symmetrical dyschromatosis of extremities. Last evaluated: 2025-04-10. Review status: criteria provided, single submitter. Criteria: Invitae Variant Classification Sherloc (09022015). Collection method: clinical testing. Allele origin: germline.
Comment: This sequence change replaces valine, which is neutral and non-polar, with methionine, which is neutral and non-polar, at codon 667 of the ADAR protein (p.Val667Met). This variant is present in population databases (rs760217859, gnomAD 0.003%). This variant has not been reported in the literature in individuals affected with ADAR-related conditions. ClinVar contains an entry for this variant (Variation ID: 2950705). Invitae Evidence Modeling of protein sequence and biophysical properties (such as structural, functional, and spatial information, amino acid conservation, physicochemical variation, residue mobility, and thermodynamic stability) indicates that this missense variant is not expected to disrupt ADAR protein function with a negative predictive value of 80%. In summary, the available evidence is currently insufficient to determine the role of this variant in disease. Therefore, it has been classified as a Variant of Uncertain Significance.